The following is an entry in ClinVar:

NM_001371596.2(MFSD8):c.291G>A (p.Trp97Ter)

Gene: MFSD8 (major facilitator superfamily domain containing 8; minus strand). Cytogenetic location: 4q28.2.
Variant type: single nucleotide variant.
Coding change: c.291G>A on transcript NM_001371596.2 (MANE Select); coding-DNA position 291, G replaced by A.
Protein change: p.Trp97Ter; replaces tryptophan 97 with a stop codon.
Molecular consequence: nonsense.
Genome position (GRCh38, 1-based): chr4:127,943,900, C>T on the plus strand (G>A on the coding strand, the complement: MFSD8 is on the minus strand). VCF-style: chr4-127943900-C-T. GRCh37 (hg19) VCF-style: chr4-128865055-C-T.
Other names: c.291G>A, p.Trp97Ter (NM_001363520.3, NM_001363521.3, NM_001371591.2 and 5 more transcripts); c.156G>A, p.Trp52Ter (NM_001371590.2, NM_001371595.1, NM_001410765.1); short protein forms W97*, W52*.
Identifiers: ClinVar variation 2002827 (VCV002002827.4), dbSNP rs796052749, ClinGen allele CA358176956.

ClinVar aggregate classification (germline): Pathogenic (1 of 4 stars; one submission).

Conditions:
Neuronal ceroid lipofuscinosis 7 (CLN7). Also called: MFSD8-Related Neuronal Ceroid-Lipofuscinosis. Identifiers: Orphanet 168491, Orphanet 228366, MedGen C1838571, MONDO:0012588, OMIM 610951.

gnomAD v4.1: 1 of 1,613,972 alleles (0.000062%); highest among the groups gnomAD compares: African/African-American, 0.0013%; no homozygotes.

Submission:

Labcorp Genetics (formerly Invitae), Labcorp
Classification: Pathogenic for Neuronal ceroid lipofuscinosis 7. Last evaluated: 2022-08-09. Review status: criteria provided, single submitter. Criteria: Invitae Variant Classification Sherloc (09022015). Collection method: clinical testing. Allele origin: germline.
Comment: For these reasons, this variant has been classified as Pathogenic. This variant has not been reported in the literature in individuals affected with MFSD8-related conditions. This variant is not present in population databases (gnomAD no frequency). This sequence change creates a premature translational stop signal (p.Trp97*) in the MFSD8 gene. It is expected to result in an absent or disrupted protein product. Loss-of-function variants in MFSD8 are known to be pathogenic (PMID: 19177532, 25227500, 28586915).

Literature cited by the submitters: PubMed 19177532; PubMed 25227500; PubMed 28586915.